The following is an entry in ClinVar:

NC_000002.11:g.(?_166237651)_(166240529_?)del

Gene: SCN2A (sodium voltage-gated channel alpha subunit 2; plus strand). Cytogenetic location: 2q24.3.
Variant type: Deletion.
Identifiers: ClinVar variation 2426643 (VCV002426643.6).

ClinVar aggregate classification (germline): Pathogenic (1 of 4 stars; one submission).

Conditions:
Seizures, benign familial infantile, 3 (BFIS3). Also called: Familial neonatal seizures; CONVULSIONS, BENIGN FAMILIAL INFANTILE, 3. Identifiers: Orphanet 140927, Orphanet 306, MedGen C1843140, MONDO:0011904, OMIM 607745.
Developmental and epileptic encephalopathy, 11 (DEE11). Also called: Early infantile epileptic encephalopathy 11. Identifiers: Orphanet 1934, MedGen C3150987, MONDO:0013388, OMIM 613721.

Submission:

Labcorp Genetics (formerly Invitae), Labcorp
Classification: Pathogenic for Seizures, benign familial infantile, 3; Developmental and epileptic encephalopathy, 11. Last evaluated: 2022-05-24. Review status: criteria provided, single submitter. Criteria: Invitae Variant Classification Sherloc (09022015). Collection method: clinical testing. Allele origin: germline.
Comment: For these reasons, this variant has been classified as Pathogenic. This variant disrupts a region of the SCN2A protein in which other variant(s) (p.Met1501Val) have been determined to be pathogenic (PMID: 29933521; Invitae). This suggests that this is a clinically significant region of the protein, and that variants that disrupt it are likely to be disease-causing. This variant has not been reported in the literature in individuals affected with SCN2A-related conditions. This variant results in the deletion of part of exon 25 (c.4495_4552-2727del) of the SCN2A gene. It is expected to disrupt RNA splicing. Variants that disrupt the donor or acceptor splice site typically lead to a loss of protein function (PMID: 16199547), and loss-of-function variants in SCN2A are known to be pathogenic (PMID: 28379373).

Literature cited by the submitters: PubMed 29933521; PubMed 16199547; PubMed 28379373.